The following is an entry in ClinVar:

NM_001267550.2(TTN):c.95416+5G>T

Genes: TTN (titin; minus strand), TTN-AS1 (TTN antisense RNA 1; plus strand). Cytogenetic location: 2q31.2.
Variant type: single nucleotide variant.
Coding change: c.95416+5G>T on transcript NM_001267550.2 (MANE Select); 5 bases into the intron after coding-DNA position 95416, G replaced by T.
Molecular consequence: intron variant.
Genome position (GRCh38, 1-based): chr2:178,545,815, C>A on the plus strand (G>T on the coding strand, the complement: TTN is on the minus strand). VCF-style: chr2-178545815-C-A. GRCh37 (hg19) VCF-style: chr2-179410542-C-A.
Other names: c.68221+5G>T (NM_003319.4); c.68797+5G>T (NM_133437.4); c.68596+5G>T (NM_133432.3); c.87712+5G>T (NM_133378.4); c.90493+5G>T (NM_001256850.1).
Identifiers: ClinVar variation 1018743 (VCV001018743.10), dbSNP rs1696830213, ClinGen allele CA1310522466.
Genomic context (GRCh38, chr2:178,545,815, plus strand): 5'-CTCCCTTCTCCCCCTGATTCTATTACATTTCAACTGTCAAATTATTTAAAAGTGTTAATA[C>A]TTACTGAATGAGTTTCTGGCTACAATTGGCTCTGATTCAACAGGCACACCAGGGCCATAT-3'

ClinVar aggregate classification (germline): Uncertain significance. Review status: criteria provided, multiple submitters, no conflicts (2 of 4 stars). 2 submissions from 2 submitters: Uncertain significance (2). Last evaluated 2026-03-10.

Conditions:
Cardiovascular phenotype. Identifiers: MedGen CN230736.
Dilated cardiomyopathy 1G (CMD1G). Identifiers: Orphanet 154, MedGen C1858763, MONDO:0011400, OMIM 604145.
Autosomal recessive limb-girdle muscular dystrophy type 2J (LGMDR10). Also called: Limb-girdle muscular dystrophy, type 2J; MUSCULAR DYSTROPHY, LIMB-GIRDLE, AUTOSOMAL RECESSIVE 10. Identifiers: Orphanet 140922, MedGen C1837342, MONDO:0012127, OMIM 608807.

Submissions (2):

Ambry Genetics
Classification: Uncertain significance for Cardiovascular phenotype. Last evaluated: 2026-03-10. Review status: criteria provided, single submitter. Criteria: Ambry Variant Classification Scheme 2023. Collection method: clinical testing. Allele origin: germline.
Comment: The c.68221+5G>T intronic variant results from a G to T substitution 5 nucleotides after coding exon 170 in the TTN gene. This nucleotide position is highly conserved in available vertebrate species. In silico splice site analysis predicts that this alteration will weaken the native splice donor site. Based on the available evidence, the clinical significance of this variant remains unclear.

Labcorp Genetics (formerly Invitae), Labcorp
Classification: Uncertain significance for Dilated cardiomyopathy 1G; Autosomal recessive limb-girdle muscular dystrophy type 2J. Last evaluated: 2025-12-26. Review status: criteria provided, single submitter. Criteria: Invitae Variant Classification Sherloc (09022015). Collection method: clinical testing. Allele origin: germline.
Comment: This sequence change falls in intron 343 of the TTN gene. It does not directly change the encoded amino acid sequence of the TTN protein. It affects a nucleotide within the consensus splice site. This variant is not present in population databases (gnomAD no frequency). This variant has not been reported in the literature in individuals affected with TTN-related conditions. ClinVar contains an entry for this variant (Variation ID: 1018743). Variants that disrupt the consensus splice site are a relatively common cause of aberrant splicing (PMID: 17576681, 9536098). Algorithms developed to predict the effect of sequence changes on RNA splicing suggest that this variant may disrupt the consensus splice site. This variant is located in the A band of TTN (PMID: 25589632). Variants in this region may be relevant for cardiac or neuromuscular disorders (PMID: 25589632, 23975875). In summary, the available evidence is currently insufficient to determine the role of this variant in disease. Therefore, it has been classified as a Variant of Uncertain Significance.

Literature cited by the submitters: PubMed 17576681 (cited by Labcorp Genetics (formerly Invitae), Labcorp); PubMed 9536098 (cited by Labcorp Genetics (formerly Invitae), Labcorp); PubMed 25589632 (cited by Labcorp Genetics (formerly Invitae), Labcorp); PubMed 23975875 (cited by Labcorp Genetics (formerly Invitae), Labcorp).